The following is an entry in ClinVar:

NM_000702.4(ATP1A2):c.982G>A (p.Ala328Thr)

Gene: ATP1A2 (ATPase Na+/K+ transporting subunit alpha 2; plus strand). Cytogenetic location: 1q23.2.
Variant type: single nucleotide variant.
Coding change: c.982G>A on transcript NM_000702.4 (MANE Select); coding-DNA position 982, G replaced by A.
Protein change: p.Ala328Thr; replaces alanine 328 with threonine.
Molecular consequence: missense variant.
Genome position (GRCh38, 1-based): chr1:160,127,785, G>A. VCF-style: chr1-160127785-G-A. GRCh37 (hg19) VCF-style: chr1-160097575-G-A.
Other names: short protein forms A328T.
Identifiers: ClinVar variation 423340 (VCV000423340.2), dbSNP rs1064796371, ClinGen allele CA16617009.
Genomic context (GRCh38, chr1:160,127,785, plus strand): 5'-TCCCTCATCCTGGGCTACAGCTGGCTGGAGGCAGTCATCTTCCTCATCGGCATCATAGTG[G>A]CCAACGTGCCTGAGGGGCTTCTGGCCACTGTCACTGTGAGTGGGTCAGGCTGAGGTGCCA-3'
Protein context (NP_000693.1, residues 318-338): AVIFLIGIIV[Ala328Thr]NVPEGLLATV

ClinVar aggregate classification (germline): Uncertain significance (1 of 4 stars; one submission).

Submission:

GeneDx
Classification: Uncertain significance. Last evaluated: 2017-02-09. Review status: criteria provided, single submitter. Criteria: GeneDx Variant Classification (06012015). Collection method: clinical testing. Allele origin: germline. Affected: yes.
Comment: A variant of uncertain significance has been identified in the ATP1A2 gene. The A328T variant has not been published as a pathogenic variant, nor has it been reported as a benign variant to our knowledge. The A328T variant is not observed in large population cohorts (Lek et al., 2016; 1000 Genomes Consortium et al., 2015; Exome Variant Server). The A328T variant is a non-conservative amino acid substitution, which is likely to impact secondary protein structure as these residues differ in polarity, charge, size and/or other properties. This substitution occurs at a position that is conserved across species and in silico analysis predicts this variant is probably damaging to the protein structure/function. However, missense variants in nearby residues have not been reported in Human Gene Mutation Database in association with ATP1A2-related disorders (Stenson et al., 2014). Therefore, based on the currently available information, it is unclear whether this variant is a pathogenic variant or a rare benign variant.